The following is an entry in ClinVar:

NM_001127898.4(CLCN5):c.935T>C (p.Val312Ala)

Gene: CLCN5 (Cl-/H+ antiporter 5; plus strand). Cytogenetic location: Xp11.23.
Variant type: single nucleotide variant.
Coding change: c.935T>C on transcript NM_001127898.4 (MANE Select); coding-DNA position 935, T replaced by C.
Protein change: p.Val312Ala; replaces valine 312 with alanine.
Molecular consequence: missense variant.
Genome position (GRCh38, 1-based): chrX:50,085,981, T>C. VCF-style: chrX-50085981-T-C. GRCh37 (hg19) VCF-style: chrX-49850638-T-C.
Other names: c.725T>C, p.Val242Ala (NM_000084.5); c.935T>C, p.Val312Ala (NM_001127899.4); c.785T>C, p.Val262Ala (NM_001282163.2); short protein forms V242A, V312A, V262A.
Identifiers: ClinVar variation 2134440 (VCV002134440.4), dbSNP rs2519431561, ClinGen allele CA413184824.

ClinVar aggregate classification (germline): Uncertain significance (1 of 4 stars; one submission).

Submission:

Labcorp Genetics (formerly Invitae), Labcorp
Classification: Uncertain significance. Last evaluated: 2025-07-07. Review status: criteria provided, single submitter. Criteria: Invitae Variant Classification Sherloc (09022015). Collection method: clinical testing. Allele origin: germline.
Comment: This sequence change replaces valine, which is neutral and non-polar, with alanine, which is neutral and non-polar, at codon 242 of the CLCN5 protein (p.Val242Ala). This variant is not present in population databases (gnomAD no frequency). This variant has not been reported in the literature in individuals affected with CLCN5-related conditions. ClinVar contains an entry for this variant (Variation ID: 2134440). An algorithm developed to predict the effect of missense changes on protein structure and function (PolyPhen-2) suggests that this variant is likely to be disruptive. In summary, the available evidence is currently insufficient to determine the role of this variant in disease. Therefore, it has been classified as a Variant of Uncertain Significance.